The following is an entry in ClinVar:

NM_000218.3(KCNQ1):c.1832A>G (p.Asp611Gly)

Genes: KCNQ1-AS1 (KCNQ1 antisense RNA 1; minus strand), KCNQ1 (potassium voltage-gated channel subfamily Q member 1; plus strand). Cytogenetic location: 11p15.4.
Variant type: single nucleotide variant.
Coding change: c.1832A>G on transcript NM_000218.3 (MANE Select); coding-DNA position 1832, A replaced by G.
Protein change: p.Asp611Gly; replaces aspartic acid 611 with glycine.
Molecular consequence: missense variant.
Genome position (GRCh38, 1-based): chr11:2,847,804, A>G. VCF-style: chr11-2847804-A-G. GRCh37 (hg19) VCF-style: chr11-2869034-A-G.
Other names: c.1736A>G, p.Asp579Gly (NM_001406836.1); c.1562A>G, p.Asp521Gly (NM_001406837.1); c.1292A>G, p.Asp431Gly (NM_001406838.1); c.344A>G, p.Asp115Gly (NM_001406839.1); c.1451A>G, p.Asp484Gly (NM_181798.2); short protein forms D115G, D431G, D484G, D521G, D579G, D611G.
Identifiers: ClinVar variation 3386951 (VCV003386951.1).

ClinVar aggregate classification (germline): Uncertain significance (1 of 4 stars; one submission).

Conditions:
Long QT syndrome (LQTS). Identifiers: MedGen C0023976, MeSH D008133, MONDO:0002442. Disease mechanism: loss of function. Inheritance: Various modes of inheritance.

Submission:

All of Us Research Program, National Institutes of Health
Classification: Uncertain significance for Long QT syndrome. Last evaluated: 2024-03-05. Review status: criteria provided, single submitter. Criteria: ACMG Guidelines, 2015. Collection method: clinical testing. Allele origin: germline. Inheritance: Autosomal dominant inheritance. Observed: 1 variant allele, 1 heterozygote.
Comment: This study involves interpretation of variants in research participants for the purpose of population health screening. Participant phenotype was not available at the time of variant classification. Additional details can be found in publication PMID: 35346344, PMCID: PMC8962531